The following is an entry in ClinVar:

NM_133368.3(RSPRY1):c.946A>G (p.Ser316Gly)

Gene: RSPRY1 (ring finger and SPRY domain containing 1; plus strand). Cytogenetic location: 16q13.
Variant type: single nucleotide variant.
Coding change: c.946A>G on transcript NM_133368.3 (MANE Select); coding-DNA position 946, A replaced by G.
Protein change: p.Ser316Gly; replaces serine 316 with glycine.
Molecular consequence: missense variant.
Genome position (GRCh38, 1-based): chr16:57,220,776, A>G. VCF-style: chr16-57220776-A-G. GRCh37 (hg19) VCF-style: chr16-57254688-A-G.
Other names: c.946A>G, p.Ser316Gly (NM_001305163.2, NM_001305164.2); c.946A>G (NM_133368.1); short protein forms S316G.
Identifiers: ClinVar variation 1511224 (VCV001511224.4), dbSNP rs1383399295, ClinGen allele CA396017528.
Genomic context (GRCh38, chr16:57,220,776, plus strand): 5'-ACTCTTTCTTTTGCAGTTTTAAAAGAAGGTAGACAGCTGACCTATGAGAAAGTGAACTTG[A>G]GTAGCATTAGGGCCATGCTGAATAGCAATGATGTCAGCGAGTACCTGAAGATCTCACCTC-3'
Protein context (NP_588609.1, residues 306-326): RQLTYEKVNL[Ser316Gly]SIRAMLNSND

ClinVar aggregate classification (germline): Uncertain significance. Review status: criteria provided, multiple submitters, no conflicts (2 of 4 stars). 2 submissions from 2 submitters: Uncertain significance (2). Last evaluated 2025-08-04.

Conditions:
Inborn genetic diseases. Identifiers: MedGen C0950123, MeSH D030342.

Allele frequency attached by ClinVar (database versions not stated): gnomAD 0.00001; TOPMed 0.00002.
gnomAD v4.1: 4 of 1,613,884 alleles (0.00025%); highest among the groups gnomAD compares: Admixed American, 0.005%; no homozygotes.

Submissions (2):

Ambry Genetics
Classification: Uncertain significance for Inborn genetic diseases. Last evaluated: 2025-08-04. Review status: criteria provided, single submitter. Criteria: Ambry Variant Classification Scheme 2023. Collection method: clinical testing. Allele origin: germline.

Labcorp Genetics (formerly Invitae), Labcorp
Classification: Uncertain significance. Last evaluated: 2022-06-22. Review status: criteria provided, single submitter. Criteria: Invitae Variant Classification Sherloc (09022015). Collection method: clinical testing. Allele origin: germline.
Comment: This sequence change replaces serine, which is neutral and polar, with glycine, which is neutral and non-polar, at codon 316 of the RSPRY1 protein (p.Ser316Gly). This variant is present in population databases (no rsID available, gnomAD no frequency). This variant has not been reported in the literature in individuals affected with RSPRY1-related conditions. Algorithms developed to predict the effect of missense changes on protein structure and function are either unavailable or do not agree on the potential impact of this missense change (SIFT: "Deleterious"; PolyPhen-2: "Benign"; Align-GVGD: "Class C0"). In summary, the available evidence is currently insufficient to determine the role of this variant in disease. Therefore, it has been classified as a Variant of Uncertain Significance.